The following is an entry in ClinVar:

NM_001277115.2(DNAH11):c.3569_3570del (p.Leu1189_Phe1190insTer)

Gene: DNAH11 (dynein axonemal heavy chain 11; plus strand). Cytogenetic location: 7p15.3.
Variant type: Deletion.
Coding change: c.3569_3570del on transcript NM_001277115.2 (MANE Select); coding-DNA positions 3569 to 3570, 2 bases deleted (TT; older notation c.3569_3570delTT).
Protein change: p.Leu1189_Phe1190insTer.
Molecular consequence: nonsense.
Genome position (GRCh38, 1-based): chr7:21,601,539-21,601,540, TT deleted; deleting any 2 consecutive bases within chr7:21,601,538-21,601,540 gives the same sequence; the c. name uses the placement nearest the transcript's 3' end. VCF-style (leftmost placement, unchanged base first): chr7-21601537-CTT-C. GRCh37 (hg19) VCF-style: chr7-21641155-CTT-C.
Identifiers: ClinVar variation 1458751 (VCV001458751.6), dbSNP rs779520176, ClinGen allele CA4179672.

ClinVar aggregate classification (germline): Pathogenic (1 of 4 stars; one submission).

Conditions:
Primary ciliary dyskinesia. Also called: Ciliary dyskinesia. Identifiers: Orphanet 244, MedGen C0008780, MONDO:0016575, HP:0012265.

Submission:

Labcorp Genetics (formerly Invitae), Labcorp
Classification: Pathogenic for Primary ciliary dyskinesia. Last evaluated: 2024-03-14. Review status: criteria provided, single submitter. Criteria: Invitae Variant Classification Sherloc (09022015). Collection method: clinical testing. Allele origin: germline.
Comment: This sequence change creates a premature translational stop signal (p.Phe1190*) in the DNAH11 gene. It is expected to result in an absent or disrupted protein product. Loss-of-function variants in DNAH11 are known to be pathogenic (PMID: 18022865, 20513915, 22184204). This variant is present in population databases (rs779520176, gnomAD 0.003%). This variant has not been reported in the literature in individuals affected with DNAH11-related conditions. ClinVar contains an entry for this variant (Variation ID: 1458751). For these reasons, this variant has been classified as Pathogenic.

Literature cited by the submitters: PubMed 18022865; PubMed 20513915; PubMed 22184204.